The following is an entry in ClinVar:

ClinVar aggregate classification (germline): Likely benign. Review status: criteria provided, single submitter (1 of 4 stars). 2 submissions from 2 submitters: Likely benign (1). 1 of the submissions does not count toward it. Last evaluated 2023-06-09.

Conditions:
WHRN-related disorder. Also called: WHRN-related condition.

Allele frequency attached by ClinVar (database versions not stated): gnomAD 0.00001; TOPMed 0.00001; ExAC 0.00002; ESP Exome Variant Server 0.00008.
gnomAD v4.1: 18 of 1,613,998 alleles (0.0011%); highest among the groups gnomAD compares: South Asian, 0.012%; no homozygotes.

Submissions (2):

Labcorp Genetics (formerly Invitae), Labcorp
Classification: Likely benign. Last evaluated: 2023-06-09. Review status: criteria provided, single submitter. Criteria: Invitae Variant Classification Sherloc (09022015). Collection method: clinical testing. Allele origin: germline.

PreventionGenetics, part of Exact Sciences
Classification: Likely benign for WHRN-related condition. Last evaluated: 2019-06-21. Review status: no assertion criteria provided. Collection method: clinical testing. Allele origin: germline. Not counted in ClinVar's aggregate classification.
Comment: This variant is classified as likely benign based on ACMG/AMP sequence variant interpretation guidelines (Richards et al. 2015 PMID: 25741868, with internal and published modifications).

NM_015404.4(WHRN):c.2220G>A (p.Ala740=)

Gene: WHRN (whirlin; minus strand). Cytogenetic location: 9q32.
Variant type: single nucleotide variant.
Coding change: c.2220G>A on transcript NM_015404.4 (MANE Select); coding-DNA position 2220, G replaced by A.
Protein change: p.Ala740=; no amino-acid change (alanine 740 retained).
Molecular consequence: synonymous variant.
Genome position (GRCh38, 1-based): chr9:114,406,371, C>T on the plus strand (G>A on the coding strand, the complement: WHRN is on the minus strand). VCF-style: chr9-114406371-C-T. GRCh37 (hg19) VCF-style: chr9-117168651-C-T.
Other names: c.2220G>A (NM_015404.3); c.1071G>A, p.Ala357= (NM_001083885.3); c.2220G>A, p.Ala740= (NM_001173425.2); c.1167G>A, p.Ala389= (NM_001346890.1).
Identifiers: ClinVar variation 2160234 (VCV002160234.6), dbSNP rs369316074, ClinGen allele CA5205716.
Genomic context (GRCh38, chr9:114,406,371, plus strand): 5'-CAGGGACCCCCAAGGACCACAGAGCCTGGCCTTGCTGTACTCACTGCGCGTCTGGGGCAG[C>T]GCCCTCACTTCATTGACGTCTGGCTCGCTGTCGGGGCGGTGGACCTCCACCATGACAAAG-3'
Protein context (NP_056219.3, residues 730-750): DSEPDVNEVR[Ala740=]LPQTRTASTL